The following is an entry in ClinVar:

NM_000492.4(CFTR):c.3873+394G>A

Genes: CFTR (CF transmembrane conductance regulator; plus strand), CFTR-AS2 (CFTR antisense RNA 2; minus strand), LOC111674467 (CFTR intron 20 enhancer; plus strand). Cytogenetic location: 7q31.2.
Variant type: single nucleotide variant.
Coding change: c.3873+394G>A on transcript NM_000492.4 (MANE Select); 394 bases into the intron after coding-DNA position 3873, G replaced by A.
Molecular consequence: intron variant.
Genome position (GRCh38, 1-based): chr7:117,642,987, G>A. VCF-style: chr7-117642987-G-A. GRCh37 (hg19) VCF-style: chr7-117283041-G-A.
Identifiers: ClinVar variation 4280072 (VCV004280072.1).

ClinVar aggregate classification (germline): Uncertain significance (1 of 4 stars; one submission).

Conditions:
Cystic fibrosis (CF). Also called: MUCOVISCIDOSIS. Identifiers: Orphanet 586, MedGen C0010674, MONDO:0009061, OMIM 219700. Disease mechanism: loss of function.

Submission:

Johns Hopkins Genomics, Johns Hopkins University
Classification: Uncertain significance for Cystic fibrosis. Last evaluated: 2025-03-10. Review status: criteria provided, single submitter. Criteria: ACMG Guidelines, 2015. Collection method: clinical testing. Allele origin: germline.
Comment: This intronic CFTR variant is absent from a large population dataset and has not been reported in ClinVar nor the literature, to our knowledge. Three bioinformatic tools predict that this variant may create a cryptic splice donor site and lead to CFTR missplicing, however, this has not been assessed experimentally to our knowledge. We consider the clinical significance of CFTR c.3873+394G>A to be uncertain at this time.